The following is an entry in ClinVar:

ClinVar aggregate classification (germline): Uncertain significance (1 of 4 stars; one submission).

Conditions:
LAMA2-related muscular dystrophy (LAMA2-RD). Also called: Laminin alpha 2-related dystrophy. Identifiers: MedGen C5679788, MONDO:0100228.

Allele frequency attached by ClinVar (database versions not stated): gnomAD exomes below 0.00001.
gnomAD v4.1: 2 of 1,609,302 alleles (0.00012%); highest among the groups gnomAD compares: African/African-American, 0.0013%; no homozygotes.

Submission:

Labcorp Genetics (formerly Invitae), Labcorp
Classification: Uncertain significance for LAMA2-related muscular dystrophy. Last evaluated: 2022-08-16. Review status: criteria provided, single submitter. Criteria: Invitae Variant Classification Sherloc (09022015). Collection method: clinical testing. Allele origin: germline.
Comment: This sequence change replaces threonine, which is neutral and polar, with alanine, which is neutral and non-polar, at codon 2743 of the LAMA2 protein (p.Thr2743Ala). This variant has not been reported in the literature in individuals affected with LAMA2-related conditions. Advanced modeling of protein sequence and biophysical properties (such as structural, functional, and spatial information, amino acid conservation, physicochemical variation, residue mobility, and thermodynamic stability) performed at Invitae indicates that this missense variant is not expected to disrupt LAMA2 protein function.

NM_000426.4(LAMA2):c.8227A>G (p.Thr2743Ala)

Gene: LAMA2 (laminin subunit alpha 2; plus strand). Cytogenetic location: 6q22.33.
Variant type: single nucleotide variant.
Coding change: c.8227A>G on transcript NM_000426.4 (MANE Select); coding-DNA position 8227, A replaced by G.
Protein change: p.Thr2743Ala; replaces threonine 2743 with alanine.
Molecular consequence: missense variant.
Genome position (GRCh38, 1-based): chr6:129,492,466, A>G. VCF-style: chr6-129492466-A-G. GRCh37 (hg19) VCF-style: chr6-129813611-A-G.
Other names: c.8215A>G, p.Thr2739Ala (NM_001079823.2); short protein forms T2739A, T2743A.
Identifiers: ClinVar variation 1963248 (VCV001963248.2), dbSNP rs2114860994, ClinGen allele CA365632425.